The following is an entry in ClinVar:

NM_014780.5(CUL7):c.3049G>A (p.Ala1017Thr)

Gene: CUL7 (cullin 7; minus strand). Cytogenetic location: 6p21.1.
Variant type: single nucleotide variant.
Coding change: c.3049G>A on transcript NM_014780.5 (MANE Select); coding-DNA position 3049, G replaced by A.
Protein change: p.Ala1017Thr; replaces alanine 1017 with threonine.
Molecular consequence: missense variant.
Genome position (GRCh38, 1-based): chr6:43,044,875, C>T on the plus strand (G>A on the coding strand, the complement: CUL7 is on the minus strand). VCF-style: chr6-43044875-C-T. GRCh37 (hg19) VCF-style: chr6-43012613-C-T.
Other names: c.3145G>A, p.Ala1049Thr (NM_001168370.2, NM_001374872.1); c.3049G>A, p.Ala1017Thr (NM_001374873.1, NM_001374874.1); short protein forms A1049T, A1017T.
Identifiers: ClinVar variation 712634 (VCV000712634.15), dbSNP rs34916226, ClinGen allele CA3813598.

ClinVar aggregate classification (germline): Conflicting classifications of pathogenicity. Review status: criteria provided, conflicting classifications (1 of 4 stars). 6 submissions from 6 submitters: Uncertain significance (2); Likely benign (3). 1 of the submissions does not count toward it. Last evaluated 2026-05-14.

Conditions:
3M syndrome 1. Also called: 3-M Syndrome, CUL7-Related. Identifiers: Orphanet 2616, MedGen C2678312, MONDO:0010117, OMIM 273750.
CUL7-related disorder. Also called: CUL7-related condition.

Allele frequency attached by ClinVar (database versions not stated): gnomAD exomes 0.00035; ExAC 0.00046; 1000 Genomes Project 0.00080; 1000 Genomes Project 30x 0.00109; gnomAD 0.00141 and 0.00156; TOPMed 0.00185; ESP Exome Variant Server 0.00208.
gnomAD v4.1: 453 of 1,613,532 alleles (0.028%); highest among the groups gnomAD compares: African/African-American, 0.56%; no homozygotes.

Submissions (6):

Women's Health and Genetics/Laboratory Corporation of America, LabCorp
Classification: Likely benign. Last evaluated: 2026-05-14. Review status: criteria provided, single submitter. Criteria: LabCorp Variant Classification Summary - May 2015. Collection method: clinical testing. Allele origin: germline.
Comment: Variant summary: CUL7 c.3049G>A (p.Ala1017Thr) results in a non-conservative amino acid change in the encoded protein sequence. Algorithms developed to predict the effect of missense changes on protein structure and function are either unavailable or do not agree on the potential impact of this missense change. The variant allele was found at a frequency of 0.00035 in 251316 control chromosomes, predominantly at a frequency of 0.0052 within the African or African-American subpopulation in the gnomAD database. The observed variant frequency within African or African-American control individuals in the gnomAD database exceeds the estimated maximal expected allele frequency for disease-causing variants in CUL7. To our knowledge, no occurrence of c.3049G>A in individuals affected with CUL7-related conditions and no experimental evidence demonstrating its impact on protein function have been reported. ClinVar contains an entry for this variant (Variation ID: 712634). Based on the evidence outlined above, the variant was classified as likely benign.

Labcorp Genetics (formerly Invitae), Labcorp
Classification: Likely benign. Last evaluated: 2026-01-24. Review status: criteria provided, single submitter. Criteria: Invitae Variant Classification Sherloc (09022015). Collection method: clinical testing. Allele origin: germline.

Blueprint Genetics
Classification: Uncertain significance. Last evaluated: 2024-10-07. Review status: criteria provided, single submitter. Criteria: ACMG Guidelines, 2015. Collection method: clinical testing. Allele origin: germline.

Fulgent Genetics
Classification: Uncertain significance for 3M syndrome 1. Last evaluated: 2024-06-06. Review status: criteria provided, single submitter. Criteria: ACMG Guidelines, 2015. Collection method: clinical testing. Allele origin: germline.

Breakthrough Genomics
Classification: Likely benign. Review status: criteria provided, single submitter. Criteria: ACMG Guidelines, 2015. Collection method: not provided. Allele origin: germline. Inheritance: Autosomal recessive inheritance. Affected: yes.

PreventionGenetics, part of Exact Sciences
Classification: Likely benign for CUL7-related condition. Last evaluated: 2020-04-27. Review status: no assertion criteria provided. Collection method: clinical testing. Allele origin: germline. Not counted in ClinVar's aggregate classification.
Comment: This variant is classified as likely benign based on ACMG/AMP sequence variant interpretation guidelines (Richards et al. 2015 PMID: 25741868, with internal and published modifications).